The following is an entry in ClinVar:

NM_001165963.4(SCN1A):c.4147G>A (p.Asp1383Asn)

Genes: SCN1A (sodium voltage-gated channel alpha subunit 1; minus strand), LOC102724058 (uncharacterized LOC102724058; plus strand). Cytogenetic location: 2q24.3.
Variant type: single nucleotide variant.
Coding change: c.4147G>A on transcript NM_001165963.4 (MANE Select); coding-DNA position 4147, G replaced by A.
Protein change: p.Asp1383Asn; replaces aspartic acid 1383 with asparagine.
Molecular consequence: missense variant. On other transcripts: non-coding transcript variant (1).
Genome position (GRCh38, 1-based): chr2:166,002,609, C>T on the plus strand (G>A on the coding strand, the complement: SCN1A is on the minus strand). VCF-style: chr2-166002609-C-T. GRCh37 (hg19) VCF-style: chr2-166859119-C-T.
Other names: c.4114G>A, p.Asp1372Asn (NM_001353952.2, NM_006920.6, NM_001353949.2 and 2 more transcripts); c.4111G>A, p.Asp1371Asn (NM_001353954.2, NM_001353955.2); c.4063G>A, p.Asp1355Asn (NM_001353957.2, NM_001353958.2, NM_001165964.3); c.4060G>A, p.Asp1354Asn (NM_001353960.2); c.1705G>A, p.Asp569Asn (NM_001353961.2); c.4147G>A, p.Asp1383Asn (NM_001202435.3, NM_001353948.2); short protein forms D1355N, D1383N, D1372N, D1354N, D1371N, D569N.
Identifiers: ClinVar variation 1487194 (VCV001487194.10), dbSNP rs2105509090, ClinGen allele CA349050289.
Genomic context (GRCh38, chr2:166,002,609, plus strand): 5'-TTCTTTCTATTAGTTTTAGGCAATCAGTATGATTATTCACGTCTTCGATGTCAAACCTGT[C>T]ACCAGTTGTGGTGTTAATACAGTGGTAGAATTTGCCAGCAAACAAATTTACGCCCATGAT-3'
Protein context (NP_001159435.1, residues 1373-1393): FYHCINTTTG[Asp1383Asn]RFDIEDVNNH

ClinVar aggregate classification (germline): Uncertain significance. Review status: criteria provided, multiple submitters, no conflicts (2 of 4 stars). 2 submissions from 2 submitters: Uncertain significance (2). Last evaluated 2026-07-01.

Conditions:
Early-infantile DEE. Also called: Ohtahara syndrome; Early infantile epileptic encephalopathy with suppression bursts; Early infantile epileptic encephalopathy. Identifiers: Orphanet 1934, MedGen C0393706, MONDO:0800491.

Submissions (2):

CeGaT Center for Human Genetics Tuebingen
Classification: Uncertain significance. Last evaluated: 2026-07-01. Review status: criteria provided, single submitter. Criteria: CeGaT Center For Human Genetics Tuebingen Variant Classification Criteria Version 2. Collection method: clinical testing. Allele origin: germline. Affected: yes. Observed: 1 variant allele.
Comment: SCN1A: PM2, PP2

Labcorp Genetics (formerly Invitae), Labcorp
Classification: Uncertain significance for Early-infantile DEE. Last evaluated: 2022-08-16. Review status: criteria provided, single submitter. Criteria: Invitae Variant Classification Sherloc (09022015). Collection method: clinical testing. Allele origin: germline.
Comment: Advanced modeling of protein sequence and biophysical properties (such as structural, functional, and spatial information, amino acid conservation, physicochemical variation, residue mobility, and thermodynamic stability) performed at Invitae indicates that this missense variant is not expected to disrupt SCN1A protein function. In summary, the available evidence is currently insufficient to determine the role of this variant in disease. Therefore, it has been classified as a Variant of Uncertain Significance. This sequence change replaces aspartic acid, which is acidic and polar, with asparagine, which is neutral and polar, at codon 1383 of the SCN1A protein (p.Asp1383Asn). This variant is not present in population databases (gnomAD no frequency). This variant has not been reported in the literature in individuals affected with SCN1A-related conditions. ClinVar contains an entry for this variant (Variation ID: 1487194).